The following is an entry in ClinVar:

NM_022124.6(CDH23):c.6996_6997delinsATACACCCTGCTGGACCTGGTGCCCCC (p.Gly2342fs)

Gene: CDH23 (cadherin related 23; plus strand). Cytogenetic location: 10q22.1.
Variant type: Indel.
Coding change: c.6996_6997delinsATACACCCTGCTGGACCTGGTGCCCCC on transcript NM_022124.6 (MANE Select); coding-DNA positions 6996 to 6997, CT replaced by ATACACCCTGCTGGACCTGGTGCCCCC.
Protein change: p.Gly2342fs; shifts the reading frame from glycine 2342.
Molecular consequence: frameshift variant.
Genome position (GRCh38, 1-based): chr10:71,798,520-71,798,521, CT replaced by ATACACCCTGCTGGACCTGGTGCCCCC. VCF-style: chr10-71798520-CT-ATACACCCTGCTGGACCTGGTGCCCCC. GRCh37 (hg19) VCF-style: chr10-73558277-CT-ATACACCCTGCTGGACCTGGTGCCCCC.
Other names: c.276_277delinsATACACCCTGCTGGACCTGGTGCCCCC, p.Gly102fs (NM_001171933.1, NM_001171934.1); short protein forms G102fs, G2342fs.
Identifiers: ClinVar variation 4293182 (VCV004293182.1).

ClinVar aggregate classification (germline): Likely pathogenic (1 of 4 stars; one submission).

Conditions:
CDH23-related disorder. Also called: CDH23-related condition; CDH23-related disorders.

Submission:

3billion
Classification: Likely pathogenic for CDH23-related disorder. Last evaluated: 2024-06-12. Review status: criteria provided, single submitter. Criteria: ACMG Guidelines, 2015. Collection method: clinical testing. Allele origin: germline. Affected: yes.
Comment: The variant is not observed in the gnomAD v4.0.0 dataset. Predicted Consequence/Location: Frameshift: predicted to result in a loss or disruption of normal protein function through nonsense-mediated decay (NMD) or protein truncation. Multiple pathogenic variants are reported downstream of the variant. Therefore, this variant is classified as Likely pathogenic according to the recommendation of ACMG/AMP guideline.